The following is an entry in ClinVar:

NM_018943.3(TUBA8):c.916G>A (p.Asp306Asn)

Gene: TUBA8 (tubulin alpha 8; plus strand). Cytogenetic location: 22q11.21.
Variant type: single nucleotide variant.
Coding change: c.916G>A on transcript NM_018943.3 (MANE Select); coding-DNA position 916, G replaced by A.
Protein change: p.Asp306Asn; replaces aspartic acid 306 with asparagine.
Molecular consequence: missense variant.
Genome position (GRCh38, 1-based): chr22:18,126,894, G>A. VCF-style: chr22-18126894-G-A. GRCh37 (hg19) VCF-style: chr22-18609661-G-A.
Other names: c.718G>A, p.Asp240Asn (NM_001193414.2); short protein forms D306N, D240N.
Identifiers: ClinVar variation 1440248 (VCV001440248.8), dbSNP rs142925642, ClinGen allele CA10093784.

ClinVar aggregate classification (germline): Uncertain significance (1 of 4 stars; one submission).

Allele frequency attached by ClinVar (database versions not stated): ESP Exome Variant Server 0.00015; 1000 Genomes Project 30x 0.00016; gnomAD 0.00016; TOPMed 0.00017; 1000 Genomes Project 0.00020; gnomAD exomes 0.00025 and 0.00029; ExAC 0.00041.
gnomAD v4.1: 442 of 1,611,450 alleles (0.027%); highest among the groups gnomAD compares: Non-Finnish European, 0.035%; no homozygotes.

Submission:

Labcorp Genetics (formerly Invitae), Labcorp
Classification: Uncertain significance. Last evaluated: 2025-10-21. Review status: criteria provided, single submitter. Criteria: Invitae Variant Classification Sherloc (09022015). Collection method: clinical testing. Allele origin: germline.
Comment: This sequence change replaces aspartic acid, which is acidic and polar, with asparagine, which is neutral and polar, at codon 306 of the TUBA8 protein (p.Asp306Asn). This variant is present in population databases (rs142925642, gnomAD 0.05%). This variant has not been reported in the literature in individuals affected with TUBA8-related conditions. ClinVar contains an entry for this variant (Variation ID: 1440248). Invitae Evidence Modeling of protein sequence and biophysical properties (such as structural, functional, and spatial information, amino acid conservation, physicochemical variation, residue mobility, and thermodynamic stability) indicates that this missense variant is not expected to disrupt TUBA8 protein function with a negative predictive value of 80%. In summary, the available evidence is currently insufficient to determine the role of this variant in disease. Therefore, it has been classified as a Variant of Uncertain Significance.